The following is an entry in ClinVar:

ClinVar aggregate classification (germline): Uncertain significance (1 of 4 stars; one submission).

Conditions:
Meckel-Gruber syndrome. Also called: DYSENCEPHALIA SPLANCHNOCYSTICA; GRUBER SYNDROME; Dysencephalia splachnocystica. Identifiers: Orphanet 564, MedGen C0265215, MONDO:0018921.
Joubert syndrome. Also called: CEREBELLOPARENCHYMAL DISORDER IV; JOUBERT-BOLTSHAUSER SYNDROME; Familial aplasia of the vermis. Identifiers: Orphanet 475, MedGen C5979921, MONDO:0018772.

Submission:

Labcorp Genetics (formerly Invitae), Labcorp
Classification: Uncertain significance for Joubert syndrome; Meckel-Gruber syndrome. Last evaluated: 2022-11-01. Review status: criteria provided, single submitter. Criteria: Invitae Variant Classification Sherloc (09022015). Collection method: clinical testing. Allele origin: germline.
Comment: In summary, the available evidence is currently insufficient to determine the role of this variant in disease. Therefore, it has been classified as a Variant of Uncertain Significance. Algorithms developed to predict the effect of missense changes on protein structure and function are either unavailable or do not agree on the potential impact of this missense change (SIFT: "Tolerated"; PolyPhen-2: "Not Available"; Align-GVGD: "Class C0"). ClinVar contains an entry for this variant (Variation ID: 1489973). This variant has not been reported in the literature in individuals affected with TCTN1-related conditions. This variant is not present in population databases (gnomAD no frequency). This sequence change replaces proline, which is neutral and non-polar, with serine, which is neutral and polar, at codon 7 of the TCTN1 protein (p.Pro7Ser).

NM_001082538.3(TCTN1):c.19C>T (p.Pro7Ser)

Gene: TCTN1 (tectonic family member 1; plus strand). Cytogenetic location: 12q24.11.
Variant type: single nucleotide variant.
Coding change: c.19C>T on transcript NM_001082538.3 (MANE Select); coding-DNA position 19, C replaced by T.
Protein change: p.Pro7Ser; replaces proline 7 with serine.
Molecular consequence: missense variant. On other transcripts: 5 prime UTR variant (4), non-coding transcript variant (1).
Genome position (GRCh38, 1-based): chr12:110,614,201, C>T. VCF-style: chr12-110614201-C-T. GRCh37 (hg19) VCF-style: chr12-111052006-C-T.
Other names: c.-211C>T (NM_001173975.3, NM_001319682.3); c.-238C>T (NM_001173976.2); c.19C>T, p.Pro7Ser (NM_001319680.2, NM_024549.6, NM_001082537.3); c.-689C>T (NM_001319681.2); short protein forms P7S.
Identifiers: ClinVar variation 1489973 (VCV001489973.6), dbSNP rs2135826823, ClinGen allele CA386700434.